The following is an entry in ClinVar:

NM_016008.4(DYNC2LI1):c.876G>A (p.Val292=)

Gene: DYNC2LI1 (dynein cytoplasmic 2 light intermediate chain 1; plus strand). Cytogenetic location: 2p21.
Variant type: single nucleotide variant.
Coding change: c.876G>A on transcript NM_016008.4 (MANE Select); coding-DNA position 876, G replaced by A.
Protein change: p.Val292=; no amino-acid change (valine 292 retained).
Molecular consequence: synonymous variant.
Genome position (GRCh38, 1-based): chr2:43,804,715, G>A. VCF-style: chr2-43804715-G-A. GRCh37 (hg19) VCF-style: chr2-44031854-G-A.
Other names: c.879G>A, p.Val293= (NM_001193464.2, NM_001348913.2); c.876G>A, p.Val292= (NM_001348912.2).
Identifiers: ClinVar variation 733983 (VCV000733983.13), dbSNP rs77852352, ClinGen allele CA1636043.

ClinVar aggregate classification (germline): Benign/Likely benign. Review status: criteria provided, multiple submitters, no conflicts (2 of 4 stars). 3 submissions from 3 submitters: Benign (1); Likely benign (1). 1 of the submissions does not count toward it. Last evaluated 2026-01-28.

Conditions:
DYNC2LI1-related disorder. Also called: DYNC2LI1-related condition.

Allele frequency attached by ClinVar (database versions not stated): gnomAD exomes 0.00047; ExAC 0.00060; 1000 Genomes Project 0.00180; gnomAD 0.00180 and 0.00198; TOPMed 0.00192; 1000 Genomes Project 30x 0.00203; ESP Exome Variant Server 0.00254.
gnomAD v4.1: 548 of 1,605,056 alleles (0.034%); highest among the groups gnomAD compares: African/African-American, 0.68%; no homozygotes.

Submissions (3):

Labcorp Genetics (formerly Invitae), Labcorp
Classification: Benign. Last evaluated: 2026-01-28. Review status: criteria provided, single submitter. Criteria: Invitae Variant Classification Sherloc (09022015). Collection method: clinical testing. Allele origin: germline.

Blueprint Genetics
Classification: Likely benign. Last evaluated: 2024-09-02. Review status: criteria provided, single submitter. Criteria: ACMG Guidelines, 2015. Collection method: clinical testing. Allele origin: germline.

PreventionGenetics, part of Exact Sciences
Classification: Likely benign for DYNC2LI1-related condition. Last evaluated: 2019-06-04. Review status: no assertion criteria provided. Collection method: clinical testing. Allele origin: germline. Not counted in ClinVar's aggregate classification.
Comment: This variant is classified as likely benign based on ACMG/AMP sequence variant interpretation guidelines (Richards et al. 2015 PMID: 25741868, with internal and published modifications).